The following is an entry in ClinVar:

NM_000377.3(WAS):c.427_429del (p.Glu143del)

Gene: WAS (WASP actin nucleation promoting factor; plus strand). Cytogenetic location: Xp11.23.
Variant type: Deletion.
Coding change: c.427_429del on transcript NM_000377.3 (MANE Select); coding-DNA positions 427 to 429, 3 bases deleted (GAG; older notation c.427_429delGAG).
Protein change: p.Glu143del; deletes glutamic acid 143.
Molecular consequence: inframe deletion.
Genome position (GRCh38, 1-based): chrX:48,685,800-48,685,802, GAG deleted; deleting any 3 consecutive bases within chrX:48,685,798-48,685,802 gives the same sequence; the c. name uses the placement nearest the transcript's 3' end. VCF-style (leftmost placement, unchanged base first): chrX-48685797-CAGG-C. GRCh37 (hg19) VCF-style: chrX-48544186-CAGG-C.
Other names: short protein forms E143del.
Identifiers: ClinVar variation 2940244 (VCV002940244.3), dbSNP rs2519280957, ClinGen allele CA2740092126.

ClinVar aggregate classification (germline): Uncertain significance (1 of 4 stars; one submission).

Conditions:
Thrombocytopenia 1. Also called: THROMBOCYTOPENIA, X-LINKED, 1; X-Linked Thrombocytopenia (XLT); X-linked thrombocytopenia with normal platelets. Identifiers: Orphanet 268322, Orphanet 852, MedGen C1839163, MONDO:0010743, OMIM 313900.
Wiskott-Aldrich syndrome (WAS). Also called: ALDRICH SYNDROME; IMMUNODEFICIENCY 2; WISKOTT-ALDRICH SYNDROME 1; Wiskott-aldrich syndrome, somatic. Identifiers: Orphanet 906, MedGen C0043194, MONDO:0010518, OMIM 301000.
X-linked severe congenital neutropenia (SCNX). Identifiers: Orphanet 86788, MedGen C1845987, MONDO:0010294, OMIM 300299.

Submission:

Labcorp Genetics (formerly Invitae), Labcorp
Classification: Uncertain significance for Wiskott-Aldrich syndrome; X-linked severe congenital neutropenia; Thrombocytopenia 1. Last evaluated: 2023-10-08. Review status: criteria provided, single submitter. Criteria: Invitae Variant Classification Sherloc (09022015). Collection method: clinical testing. Allele origin: germline.
Comment: This variant, c.427_429del, results in the deletion of 1 amino acid(s) of the WAS protein (p.Glu143del), but otherwise preserves the integrity of the reading frame. This variant is not present in population databases (gnomAD no frequency). This variant has not been reported in the literature in individuals affected with WAS-related conditions. Experimental studies and prediction algorithms are not available or were not evaluated, and the functional significance of this variant is currently unknown. In summary, the available evidence is currently insufficient to determine the role of this variant in disease. Therefore, it has been classified as a Variant of Uncertain Significance.